The following is an entry in ClinVar:

ClinVar aggregate classification (germline): Uncertain significance (1 of 4 stars; one submission).

Allele frequency attached by ClinVar (database versions not stated): gnomAD exomes below 0.00001.

Submission:

Labcorp Genetics (formerly Invitae), Labcorp
Classification: Uncertain significance. Last evaluated: 2024-02-24. Review status: criteria provided, single submitter. Criteria: Invitae Variant Classification Sherloc (09022015). Collection method: clinical testing. Allele origin: germline.
Comment: This sequence change replaces histidine, which is basic and polar, with tyrosine, which is neutral and polar, at codon 415 of the DGAT1 protein (p.His415Tyr). This variant is not present in population databases (gnomAD no frequency). This variant has not been reported in the literature in individuals affected with DGAT1-related conditions. ClinVar contains an entry for this variant (Variation ID: 1392882). Advanced modeling of protein sequence and biophysical properties (such as structural, functional, and spatial information, amino acid conservation, physicochemical variation, residue mobility, and thermodynamic stability) performed at Invitae indicates that this missense variant is not expected to disrupt DGAT1 protein function with a negative predictive value of 80%. In summary, the available evidence is currently insufficient to determine the role of this variant in disease. Therefore, it has been classified as a Variant of Uncertain Significance.

NM_012079.6(DGAT1):c.1243C>T (p.His415Tyr)

Gene: DGAT1 (diacylglycerol O-acyltransferase 1; minus strand). Cytogenetic location: 8q24.3.
Variant type: single nucleotide variant.
Coding change: c.1243C>T on transcript NM_012079.6 (MANE Select); coding-DNA position 1243, C replaced by T.
Protein change: p.His415Tyr; replaces histidine 415 with tyrosine.
Molecular consequence: missense variant.
Genome position (GRCh38, 1-based): chr8:144,317,027, G>A on the plus strand (C>T on the coding strand, the complement: DGAT1 is on the minus strand). VCF-style: chr8-144317027-G-A. GRCh37 (hg19) VCF-style: chr8-145540690-G-A.
Other names: short protein forms H415Y.
Identifiers: ClinVar variation 1392882 (VCV001392882.6), dbSNP rs2130511745, ClinGen allele CA372608093.